The following is an entry in ClinVar:

ClinVar aggregate classification (germline): Uncertain significance (1 of 4 stars; one submission).

Conditions:
RP1L1-related disorder. Also called: RP1L1-related condition.

Submission:

PreventionGenetics, part of Exact Sciences
Classification: Uncertain significance for RP1L1-related condition. Last evaluated: 2025-10-12. Review status: criteria provided, single submitter. Criteria: ACMG Guidelines, 2015. Collection method: clinical testing. Allele origin: germline.
Comment: The RP1L1 c.7159G>C variant is predicted to result in the amino acid substitution p.Val2387Leu. To our knowledge, this variant has not been reported in the literature or in a large population database (gnomAD), indicating this variant is rare. At this time, the clinical significance of this variant is uncertain due to the absence of conclusive functional and genetic evidence.

NM_178857.6(RP1L1):c.7159G>C (p.Val2387Leu)

Gene: RP1L1 (RP1 like 1). Cytogenetic location: 8p23.1.
Variant type: single nucleotide variant.
Coding change: c.7159G>C on transcript NM_178857.6 (MANE Select); coding-DNA position 7159, G replaced by C.
Protein change: p.Val2387Leu; replaces valine 2387 with leucine.
Molecular consequence: missense variant.
Genome position (GRCh38, 1-based): chr8:10,606,939, C>G on the plus strand (G>C on the coding strand, the complement: RP1L1 is on the minus strand). VCF-style: chr8-10606939-C-G. GRCh37 (hg19) VCF-style: chr8-10464449-C-G.
Other names: short protein forms V2387L.
Identifiers: ClinVar variation 4980430 (VCV004980430.1).